The following is an entry in ClinVar:

ClinVar aggregate classification (germline): Likely benign. Review status: criteria provided, multiple submitters, no conflicts (2 of 4 stars). 3 submissions from 3 submitters: Likely benign (3). Last evaluated 2026-03-27.

Conditions:
PRKAG2-related disorder. Also called: PRKAG2-related condition; PRKAG2-related disorders.

Allele frequency attached by ClinVar (database versions not stated): gnomAD exomes 0.00006; 1000 Genomes Project 30x 0.00016; 1000 Genomes Project 0.00020; ExAC 0.00056.
gnomAD v4.1: 84 of 1,536,354 alleles (0.0055%); highest among the groups gnomAD compares: South Asian, 0.056%; no homozygotes.

Submissions (3):

Molecular Diagnostic Laboratory for Inherited Cardiovascular Disease, Montreal Heart Institute
Classification: Likely benign. Last evaluated: 2026-03-27. Review status: criteria provided, single submitter. Criteria: ACMG Guidelines, 2015. Collection method: clinical testing. Allele origin: germline. Affected: no.
Comment: BS1;BP4

PreventionGenetics, part of Exact Sciences
Classification: Likely benign for PRKAG2-related condition. Last evaluated: 2025-03-31. Review status: criteria provided, single submitter. Criteria: ACMG Guidelines, 2015. Collection method: clinical testing. Allele origin: germline.
Comment: This variant is classified as likely benign based on ACMG/AMP sequence variant interpretation guidelines (Richards et al. 2015 PMID: 25741868, with internal and published modifications).

Blueprint Genetics
Classification: Likely benign. Last evaluated: 2022-03-28. Review status: criteria provided, single submitter. Criteria: ACMG Guidelines, 2015. Collection method: clinical testing. Allele origin: germline.

NM_016203.4(PRKAG2):c.466+45217C>T

Gene: PRKAG2 (protein kinase AMP-activated non-catalytic subunit gamma 2; minus strand). Cytogenetic location: 7q36.1.
Variant type: single nucleotide variant.
Coding change: c.466+45217C>T on transcript NM_016203.4 (MANE Select); 45217 bases into the intron after coding-DNA position 466, C replaced by T.
Molecular consequence: intron variant. On other transcripts: missense variant (5), 5 prime UTR variant (1).
Genome position (GRCh38, 1-based): chr7:151,735,935, G>A on the plus strand (C>T on the coding strand, the complement: PRKAG2 is on the minus strand). VCF-style: chr7-151735935-G-A. GRCh37 (hg19) VCF-style: chr7-151433021-G-A.
Other names: c.59C>T, p.Thr20Met (NM_001304527.2, NM_001363698.2, NM_001407028.1 and 2 more transcripts); c.-24C>T (NM_001407038.1); c.466+45217C>T (NM_001407031.1, NM_001407030.1, NM_001407023.1 and 2 more transcripts); c.149-60298C>T (NM_001407032.1); c.334+45217C>T (NM_001407026.1, NM_001040633.2, NM_001407027.1 and 1 more transcripts); c.360+45191C>T (NM_001407033.1); short protein forms T20M.
Identifiers: ClinVar variation 2628985 (VCV002628985.4), dbSNP rs562533127, ClinGen allele CA057170.